The following is an entry in ClinVar:

ClinVar aggregate classification (germline): Uncertain significance (1 of 4 stars; one submission).

Conditions:
Combined immunodeficiency due to ORAI1 deficiency. Also called: IMMUNODEFICIENCY 9. Identifiers: Orphanet 169090, Orphanet 317428, MedGen C2748568, MONDO:0013007, OMIM 612782.
Myopathy, tubular aggregate, 2 (TAM2). Identifiers: MedGen C4014557, MONDO:0014383, OMIM 615883.

Allele frequency attached by ClinVar (database versions not stated): gnomAD 0.00001; TOPMed 0.00001.

Submission:

Labcorp Genetics (formerly Invitae), Labcorp
Classification: Uncertain significance for Myopathy, tubular aggregate, 2; Combined immunodeficiency due to ORAI1 deficiency. Last evaluated: 2017-11-12. Review status: criteria provided, single submitter. Criteria: Invitae Variant Classification Sherloc (09022015). Collection method: clinical testing. Allele origin: germline.
Comment: This variant has not been reported in the literature in individuals with ORAI1-related disease. This variant is not present in population databases (ExAC no frequency). This sequence change replaces methionine with arginine at codon 71 of the ORAI1 protein (p.Met71Arg). The methionine residue is moderately conserved and there is a moderate physicochemical difference between methionine and arginine. Algorithms developed to predict the effect of missense changes on protein structure and function do not agree on the potential impact of this missense change (SIFT: "Tolerated"; PolyPhen-2: "Probably Damaging"; Align-GVGD: "Class C0"). In summary, the available evidence is currently insufficient to determine the role of this variant in disease. Therefore, it has been classified as a Variant of Uncertain Significance.

NC_000012.12:g.121626959T>G

Genes: ORAI1 (ORAI calcium release-activated calcium modulator 1; plus strand), LOC130008987 (ATAC-STARR-seq lymphoblastoid silent region 4981; plus strand). Cytogenetic location: 12q24.31.
Variant type: single nucleotide variant.
Genome position: GRCh38 VCF-style: chr12-121626959-T-G. GRCh37 (hg19) VCF-style: chr12-122064865-T-G.
Other names: c.212T>G, p.Met71Arg (NM_032790.4); short protein forms M71R.
Identifiers: ClinVar variation 541942 (VCV000541942.7), dbSNP rs1286173837, ClinGen allele CA386980976.